The following is an entry in ClinVar:

NM_000426.4(LAMA2):c.8716A>G (p.Ile2906Val)

Gene: LAMA2 (laminin subunit alpha 2; plus strand). Cytogenetic location: 6q22.33.
Variant type: single nucleotide variant.
Coding change: c.8716A>G on transcript NM_000426.4 (MANE Select); coding-DNA position 8716, A replaced by G.
Protein change: p.Ile2906Val; replaces isoleucine 2906 with valine.
Molecular consequence: missense variant.
Genome position (GRCh38, 1-based): chr6:129,507,501, A>G. VCF-style: chr6-129507501-A-G. GRCh37 (hg19) VCF-style: chr6-129828646-A-G.
Other names: c.8704A>G, p.Ile2902Val (NM_001079823.2); short protein forms I2902V, I2906V.
Identifiers: ClinVar variation 2779461 (VCV002779461.3), dbSNP rs1312613062, ClinGen allele CA365635460.

ClinVar aggregate classification (germline): Uncertain significance (1 of 4 stars; one submission).

Conditions:
LAMA2-related muscular dystrophy (LAMA2-RD). Also called: Laminin alpha 2-related dystrophy. Identifiers: MedGen C5679788, MONDO:0100228.

Allele frequency attached by ClinVar (database versions not stated): gnomAD 0.00001; TOPMed 0.00001.
gnomAD v4.1: 3 of 1,614,090 alleles (0.00019%); highest among the groups gnomAD compares: Non-Finnish European, 0.00025%; no homozygotes.

Submission:

Labcorp Genetics (formerly Invitae), Labcorp
Classification: Uncertain significance for LAMA2-related muscular dystrophy. Last evaluated: 2023-11-27. Review status: criteria provided, single submitter. Criteria: Invitae Variant Classification Sherloc (09022015). Collection method: clinical testing. Allele origin: germline.
Comment: This sequence change replaces isoleucine, which is neutral and non-polar, with valine, which is neutral and non-polar, at codon 2906 of the LAMA2 protein (p.Ile2906Val). This variant is not present in population databases (gnomAD no frequency). This variant has not been reported in the literature in individuals affected with LAMA2-related conditions. Advanced modeling of protein sequence and biophysical properties (such as structural, functional, and spatial information, amino acid conservation, physicochemical variation, residue mobility, and thermodynamic stability) performed at Invitae indicates that this missense variant is not expected to disrupt LAMA2 protein function with a negative predictive value of 95%. In summary, the available evidence is currently insufficient to determine the role of this variant in disease. Therefore, it has been classified as a Variant of Uncertain Significance.